The following is an entry in ClinVar:

ClinVar aggregate classification (germline): Uncertain significance (1 of 4 stars; one submission).

Conditions:
Neurodevelopmental disorder with hypotonia and variable intellectual and behavioral abnormalities. Identifiers: MedGen C5231423, MONDO:0032829, OMIM 618603.

Submission:

Clinical Genomics Laboratory, Washington University in St. Louis
Classification: Uncertain significance for Neurodevelopmental disorder with hypotonia and variable intellectual and behavioral abnormalities. Last evaluated: 2025-09-03. Review status: criteria provided, single submitter. Criteria: ACMG Guidelines, 2015. Collection method: clinical testing. Allele origin: germline.
Comment: The POLR2A c.3512C>G (p.Ala1171Gly) variant, to our knowledge, has not been reported in the medical literature and is only observed on 2/251,478 alleles in the general population (gnomAD v.2.1.1), indicating it is not a common variant. Computational predictors are uncertain as to the impact of this variant on POLR2A function. Due to limited information, and based on ACMG/AMP guidelines for variant interpretation (Richards S et al., PMID: 25741868), the clinical significance of this variant is uncertain at this time.

NM_000937.5(POLR2A):c.3512C>G (p.Ala1171Gly)

Gene: POLR2A (RNA polymerase II subunit A; plus strand). Cytogenetic location: 17p13.1.
Variant type: single nucleotide variant.
Coding change: c.3512C>G on transcript NM_000937.5 (MANE Select); coding-DNA position 3512, C replaced by G.
Protein change: p.Ala1171Gly; replaces alanine 1171 with glycine.
Molecular consequence: missense variant.
Genome position (GRCh38, 1-based): chr17:7,508,990, C>G. VCF-style: chr17-7508990-C-G. GRCh37 (hg19) VCF-style: chr17-7412309-C-G.
Other names: short protein forms A1171G.
Identifiers: ClinVar variation 4279906 (VCV004279906.1).
Genomic context (GRCh38, chr17:7,508,990, plus strand): 5'-CTGTCTCTTCCCAGGATATTCTGTGCCGTCTGGAGCATACAACGTTGAGGAAGGTGACTG[C>G]CAACACAGCCATCTACTATGACCCCAACCCCCAGAGCACGGTGGTGGCAGAGGATCAGGA-3'
Protein context (NP_000928.1, residues 1161-1181): LEHTTLRKVT[Ala1171Gly]NTAIYYDPNP